The following is an entry in ClinVar:

ClinVar aggregate classification (germline): Conflicting classifications of pathogenicity. Review status: criteria provided, conflicting classifications (1 of 4 stars). 8 submissions from 8 submitters: Uncertain significance (6); Likely benign (2). Last evaluated 2026-05-04.

Conditions:
RAD51D-related disorder. Also called: RAD51D-related condition.
Hereditary cancer-predisposing syndrome. Also called: Neoplastic Syndromes, Hereditary; Tumor predisposition; Hereditary Cancer Syndrome; Hereditary neoplastic syndrome. Identifiers: Orphanet 140162, MedGen C0027672, MeSH D009386, MONDO:0015356.
Breast-ovarian cancer, familial, susceptibility to, 4. Identifiers: Orphanet 145, MedGen C3280345, MONDO:0013669, OMIM 614291.

Allele frequency attached by ClinVar (database versions not stated): gnomAD 0.00001; TOPMed 0.00001; gnomAD exomes 0.00004; ExAC 0.00006.

Submissions (8):

PreventionGenetics, part of Exact Sciences
Classification: Uncertain significance for RAD51D-related condition. Last evaluated: 2026-05-04. Review status: criteria provided, single submitter. Criteria: ACMG Guidelines, 2015. Collection method: clinical testing. Allele origin: germline.
Comment: The RAD51D c.869G>A variant is predicted to result in the amino acid substitution p.Arg290Gln. To our knowledge, this variant has not been reported in the literature. This variant is reported in 0.0099% of alleles in individuals of Ashkenazi Jewish descent in gnomAD and has conflicting interpretations in ClinVar ranging from likely benign to uncertain (Variation ID: 231338). At this time, the clinical significance of this variant is uncertain due to the absence of conclusive functional and genetic evidence.

Labcorp Genetics (formerly Invitae), Labcorp
Classification: Uncertain significance for Breast-ovarian cancer, familial, susceptibility to, 4. Last evaluated: 2026-01-30. Review status: criteria provided, single submitter. Criteria: Invitae Variant Classification Sherloc (09022015). Collection method: clinical testing. Allele origin: germline.
Comment: This sequence change replaces arginine, which is basic and polar, with glutamine, which is neutral and polar, at codon 290 of the RAD51D protein (p.Arg290Gln). This variant is present in population databases (rs773883374, gnomAD 0.01%). This variant has not been reported in the literature in individuals affected with RAD51D-related conditions. ClinVar contains an entry for this variant (Variation ID: 231338). Invitae Evidence Modeling of protein sequence and biophysical properties (such as structural, functional, and spatial information, amino acid conservation, physicochemical variation, residue mobility, and thermodynamic stability) indicates that this missense variant is not expected to disrupt RAD51D protein function with a negative predictive value of 80%. In summary, the available evidence is currently insufficient to determine the role of this variant in disease. Therefore, it has been classified as a Variant of Uncertain Significance.

Color Diagnostics, LLC DBA Color Health
Classification: Likely benign for Hereditary cancer-predisposing syndrome. Last evaluated: 2024-09-19. Review status: criteria provided, single submitter. Criteria: ACMG Guidelines, 2015. Collection method: clinical testing. Allele origin: germline.

Quest Diagnostics Nichols Institute San Juan Capistrano
Classification: Uncertain significance. Last evaluated: 2024-02-13. Review status: criteria provided, single submitter. Criteria: Quest Diagnostics criteria. Collection method: clinical testing. Allele origin: unknown.
Comment: The RAD51D c.869G>A (p.Arg290Gln) variant has been reported in the published literature as a somatic variant in tumor samples from individuals with ovarian cancer (PMID: 28852190 (2017)) and colorectal cancer (PMID: 32620917 (2020)). To the best of our knowledge, this variant has not been reported germline in individuals with RAD51D related cancers. The frequency of this variant in the general population, 0.000035 (4/113710 chromosomes (Genome Aggregation Database)), is uninformative in the assessment of its pathogenicity. Analysis of this variant using bioinformatics tools for the prediction of the effect of amino acid changes on protein structure and function yielded predictions that this variant is benign. Based on the available information, we are unable to determine the clinical significance of this variant.

GeneDx
Classification: Uncertain significance. Last evaluated: 2023-10-02. Review status: criteria provided, single submitter. Criteria: GeneDx Variant Classification Process June 2021. Collection method: clinical testing. Allele origin: germline. Affected: yes.
Comment: In silico analysis supports that this missense variant does not alter protein structure/function; Observed in an individual with breast cancer and also in an unaffected control (Dorling et al., 2021); This variant is associated with the following publications: (PMID: 33471991, 19327148, 21111057, 14704354)

Department of Pathology and Laboratory Medicine, Sinai Health System
Classification: Uncertain significance for Breast-ovarian cancer, familial, susceptibility to, 4. Last evaluated: 2022-12-16. Review status: criteria provided, single submitter. Criteria: ACMG Guidelines, 2015. Collection method: clinical testing. Allele origin: germline. Affected: no.

Sema4
Classification: Uncertain significance for Hereditary cancer-predisposing syndrome. Last evaluated: 2021-05-29. Review status: criteria provided, single submitter. Criteria: Sema4 Curation Guidelines. Collection method: curation. Allele origin: germline.
Comment: The RAD51D c.869G>A (p.R290Q) variant has been reported in heterozygosity in at least one individual with breast cancer from a case-control study (PMID: 33471991). However the variant was also detected in one control from the same study (PMID: 33471991). It was observed in 1/10080 chromosomes in the Ashkenazi Jewish subpopulation in the large and broad cohorts of the Genome Aggregation Database (PMID: 32461654). The variant has been reported in ClinVar (Variation ID: 231338). In silico tools suggest the impact of the variant on protein function is benign, though these predictions have not been confirmed by functional studies. The evidence is insufficient to meet ACMG/AMP criteria for classifying the variant as benign or pathogenic. Thus, the clinical significance of this variant is currently uncertain.

Ambry Genetics
Classification: Likely benign for Hereditary cancer-predisposing syndrome. Last evaluated: 2018-03-13. Review status: criteria provided, single submitter. Criteria: Ambry Variant Classification Scheme 2023. Collection method: clinical testing. Allele origin: germline.

Literature cited by the submitters: PubMed 28852190 (cited by Quest Diagnostics Nichols Institute San Juan Capistrano); PubMed 32620917 (cited by Quest Diagnostics Nichols Institute San Juan Capistrano); PubMed 33471991 (cited by Sema4).

NM_002878.4(RAD51D):c.869G>A (p.Arg290Gln)

Genes: RAD51L3-RFFL (RAD51L3-RFFL readthrough; minus strand), RAD51D (RAD51 paralog D; minus strand). Cytogenetic location: 17q12.
Variant type: single nucleotide variant.
Coding change: c.869G>A on transcript NM_002878.4 (MANE Select); coding-DNA position 869, G replaced by A.
Protein change: p.Arg290Gln; replaces arginine 290 with glutamine.
Molecular consequence: missense variant. On other transcripts: non-coding transcript variant (3).
Genome position (GRCh38, 1-based): chr17:35,101,235, C>T on the plus strand (G>A on the coding strand, the complement: RAD51D is on the minus strand). VCF-style: chr17-35101235-C-T. GRCh37 (hg19) VCF-style: chr17-33428254-C-T.
Other names: c.929G>A, p.Arg310Gln (NM_001142571.2); c.533G>A, p.Arg178Gln (NM_133629.3); short protein forms R290Q, R178Q, R310Q.
Identifiers: ClinVar variation 231338 (VCV000231338.24), dbSNP rs773883374, ClinGen allele CA8499332.